The following is an entry in ClinVar:

ClinVar aggregate classification (germline): Uncertain significance (1 of 4 stars; one submission).

Conditions:
Lethal congenital glycogen storage disease of heart. Also called: GLYCOGEN STORAGE DISEASE OF HEART; PHOSPHORYLASE KINASE DEFICIENCY OF HEART. Identifiers: Orphanet 439854, MedGen C1849813, MONDO:0009867, OMIM 261740.

Submission:

Labcorp Genetics (formerly Invitae), Labcorp
Classification: Uncertain significance for Lethal congenital glycogen storage disease of heart. Last evaluated: 2018-10-25. Review status: criteria provided, single submitter. Criteria: Invitae Variant Classification Sherloc (09022015). Collection method: clinical testing. Allele origin: germline.
Comment: In summary, the available evidence is currently insufficient to determine the role of this variant in disease. Therefore, it has been classified as a Variant of Uncertain Significance. The current clinical and genetic evidence is not sufficient to establish whether loss-of-function variants in PRKAG2 cause disease. This variant has not been reported in the literature in individuals with PRKAG2-related disease. This variant is not present in population databases (ExAC no frequency). This sequence change creates a premature translational stop signal (p.Asn489Thrfs*2) in the PRKAG2 gene. It is expected to result in an absent or disrupted protein product.

NM_016203.4(PRKAG2):c.1466del (p.Asn489fs)

Gene: PRKAG2 (protein kinase AMP-activated non-catalytic subunit gamma 2; minus strand). Cytogenetic location: 7q36.1.
Variant type: Deletion.
Coding change: c.1466del on transcript NM_016203.4 (MANE Select); coding-DNA position 1466, one base deleted (A; older notation c.1466delA).
Protein change: p.Asn489fs; shifts the reading frame from asparagine 489.
Molecular consequence: frameshift variant.
Genome position (GRCh38, 1-based): chr7:151,564,196, T deleted on the plus strand (A on the coding strand, the reverse complement: PRKAG2 is on the minus strand); the first of 2 consecutive T bases (chr7:151,564,196-151,564,197); deleting either gives the same sequence. VCF-style (leftmost placement, unchanged base first): chr7-151564195-GT-G. GRCh37 (hg19) VCF-style: chr7-151261281-GT-G.
Other names: c.743del, p.Asn248fs (NM_024429.2, NM_001304531.2); c.1466delA (NM_016203.3); c.1334del, p.Asn445fs (NM_001040633.2); c.1091del, p.Asn364fs (NM_001304527.2); c.1094del, p.Asn365fs (NM_001363698.2); short protein forms N445fs, N365fs, N248fs, N364fs, N489fs.
Identifiers: ClinVar variation 639585 (VCV000639585.6), dbSNP rs1584934953, ClinGen allele CA915945581.